The following is an entry in ClinVar:

NM_025099.6(CTC1):c.3454C>G (p.Leu1152Val)

Gene: CTC1 (CST telomere replication complex component 1; minus strand). Cytogenetic location: 17p13.1.
Variant type: single nucleotide variant.
Coding change: c.3454C>G on transcript NM_025099.6 (MANE Select); coding-DNA position 3454, C replaced by G.
Protein change: p.Leu1152Val; replaces leucine 1152 with valine.
Molecular consequence: missense variant. On other transcripts: non-coding transcript variant (1).
Genome position (GRCh38, 1-based): chr17:8,228,563, G>C on the plus strand (C>G on the coding strand, the complement: CTC1 is on the minus strand). VCF-style: chr17-8228563-G-C. GRCh37 (hg19) VCF-style: chr17-8131881-G-C.
Other names: c.3223C>G, p.Leu1075Val (NM_001411067.1); short protein forms L1075V, L1152V.
Identifiers: ClinVar variation 1965998 (VCV001965998.5), dbSNP rs2507862482, ClinGen allele CA397968457.

ClinVar aggregate classification (germline): Uncertain significance (1 of 4 stars; one submission).

Conditions:
Dyskeratosis congenita. Identifiers: Orphanet 1775, MedGen C0265965, MONDO:0015780.

Submission:

Labcorp Genetics (formerly Invitae), Labcorp
Classification: Uncertain significance for Dyskeratosis congenita. Last evaluated: 2022-06-03. Review status: criteria provided, single submitter. Criteria: Invitae Variant Classification Sherloc (09022015). Collection method: clinical testing. Allele origin: germline.
Comment: This sequence change replaces leucine, which is neutral and non-polar, with valine, which is neutral and non-polar, at codon 1152 of the CTC1 protein (p.Leu1152Val). In summary, the available evidence is currently insufficient to determine the role of this variant in disease. Therefore, it has been classified as a Variant of Uncertain Significance. Algorithms developed to predict the effect of missense changes on protein structure and function are either unavailable or do not agree on the potential impact of this missense change (SIFT: "Tolerated"; PolyPhen-2: "Probably Damaging"; Align-GVGD: "Class C0"). This variant has not been reported in the literature in individuals affected with CTC1-related conditions. This variant is not present in population databases (gnomAD no frequency).